The following is an entry in ClinVar:

ClinVar aggregate classification (germline): Uncertain significance (1 of 4 stars; one submission).

Submission:

Labcorp Genetics (formerly Invitae), Labcorp
Classification: Uncertain significance. Last evaluated: 2022-05-27. Review status: criteria provided, single submitter. Criteria: Invitae Variant Classification Sherloc (09022015). Collection method: clinical testing. Allele origin: germline.
Comment: This variant is not present in population databases (gnomAD no frequency). This sequence change replaces proline, which is neutral and non-polar, with leucine, which is neutral and non-polar, at codon 900 of the ASXL1 protein (p.Pro900Leu). This variant has not been reported in the literature in individuals affected with ASXL1-related conditions. Algorithms developed to predict the effect of missense changes on protein structure and function output the following: SIFT: "Tolerated"; PolyPhen-2: "Benign"; Align-GVGD: "Class C0". The leucine amino acid residue is found in multiple mammalian species, which suggests that this missense change does not adversely affect protein function. In summary, the available evidence is currently insufficient to determine the role of this variant in disease. Therefore, it has been classified as a Variant of Uncertain Significance.

NM_015338.6(ASXL1):c.2699C>T (p.Pro900Leu)

Gene: ASXL1 (ASXL transcriptional regulator 1; plus strand). Cytogenetic location: 20q11.21.
Variant type: single nucleotide variant.
Coding change: c.2699C>T on transcript NM_015338.6 (MANE Select); coding-DNA position 2699, C replaced by T.
Protein change: p.Pro900Leu; replaces proline 900 with leucine.
Molecular consequence: missense variant.
Genome position (GRCh38, 1-based): chr20:32,435,411, C>T. VCF-style: chr20-32435411-C-T. GRCh37 (hg19) VCF-style: chr20-31023214-C-T.
Other names: c.2516C>T, p.Pro839Leu (NM_001363734.1); short protein forms P839L, P900L.
Identifiers: ClinVar variation 2089057 (VCV002089057.4), dbSNP rs2145371733, ClinGen allele CA408560937.